The following is an entry in ClinVar:

ClinVar aggregate classification (germline): Uncertain significance. Review status: criteria provided, multiple submitters, no conflicts (2 of 4 stars). 2 submissions from 2 submitters: Uncertain significance (2). Last evaluated 2025-08-20.

Conditions:
Inborn genetic diseases. Identifiers: MedGen C0950123, MeSH D030342.

Allele frequency attached by ClinVar (database versions not stated): gnomAD 0.00003; TOPMed 0.00005; gnomAD exomes 0.00010; ExAC 0.00020.
gnomAD v4.1: 149 of 1,598,158 alleles (0.0093%); highest among the groups gnomAD compares: South Asian, 0.043%; no homozygotes.

Submissions (2):

Ambry Genetics
Classification: Uncertain significance for Inborn genetic diseases. Last evaluated: 2025-08-20. Review status: criteria provided, single submitter. Criteria: Ambry Variant Classification Scheme 2023. Collection method: clinical testing. Allele origin: germline.

Labcorp Genetics (formerly Invitae), Labcorp
Classification: Uncertain significance. Last evaluated: 2025-08-07. Review status: criteria provided, single submitter. Criteria: Invitae Variant Classification Sherloc (09022015). Collection method: clinical testing. Allele origin: germline.
Comment: This sequence change replaces arginine, which is basic and polar, with histidine, which is basic and polar, at codon 624 of the HSPG2 protein (p.Arg624His). This variant is present in population databases (rs759430731, gnomAD 0.04%). This variant has not been reported in the literature in individuals affected with HSPG2-related conditions. ClinVar contains an entry for this variant (Variation ID: 2065164). An algorithm developed to predict the effect of missense changes on protein structure and function (PolyPhen-2) suggests that this variant is likely to be disruptive. In summary, the available evidence is currently insufficient to determine the role of this variant in disease. Therefore, it has been classified as a Variant of Uncertain Significance.

NM_005529.7(HSPG2):c.1871G>A (p.Arg624His)

Gene: HSPG2 (heparan sulfate proteoglycan 2; minus strand). Cytogenetic location: 1p36.12.
Variant type: single nucleotide variant.
Coding change: c.1871G>A on transcript NM_005529.7 (MANE Select); coding-DNA position 1871, G replaced by A.
Protein change: p.Arg624His; replaces arginine 624 with histidine.
Molecular consequence: missense variant.
Genome position (GRCh38, 1-based): chr1:21,880,783, C>T on the plus strand (G>A on the coding strand, the complement: HSPG2 is on the minus strand). VCF-style: chr1-21880783-C-T. GRCh37 (hg19) VCF-style: chr1-22207276-C-T.
Other names: c.1874G>A, p.Arg625His (NM_001291860.2); c.1871G>A (NM_005529.5); short protein forms R624H, R625H.
Identifiers: ClinVar variation 2065164 (VCV002065164.4), dbSNP rs759430731, ClinGen allele CA673254.